The following is an entry in ClinVar:

ClinVar aggregate classification (germline): Benign/Likely benign. Review status: criteria provided, multiple submitters, no conflicts (2 of 4 stars). 3 submissions from 3 submitters: Benign (1); Likely benign (2). Last evaluated 2025-02-03.

Conditions:
Hereditary nonpolyposis colorectal neoplasms. Identifiers: MedGen C0009405, MeSH D003123.
Hereditary cancer-predisposing syndrome. Also called: Neoplastic Syndromes, Hereditary; Tumor predisposition; Hereditary Cancer Syndrome; Hereditary neoplastic syndrome. Identifiers: Orphanet 140162, MedGen C0027672, MeSH D009386, MONDO:0015356.
Lynch syndrome 4 (LYNCH4). Also called: Hereditary non-polyposis colorectal cancer, type 4; Colorectal cancer, hereditary nonpolyposis, type 4. Identifiers: Orphanet 144, MedGen C1838333, MONDO:0013699, OMIM 614337. Disease mechanism: loss of function.

Allele frequency attached by ClinVar (database versions not stated): gnomAD exomes below 0.00001.
gnomAD v4.1: 1 of 1,603,314 alleles (0.000062%); highest among the groups gnomAD compares: South Asian, 0.0011%; no homozygotes.

Submissions (3):

Myriad Genetics, Inc.
Classification: Benign for Lynch syndrome 4. Last evaluated: 2025-02-03. Review status: criteria provided, single submitter. Criteria: Myriad Autosomal Dominant, Autosomal Recessive and X-Linked Classification Criteria (2023). Collection method: clinical testing. Allele origin: unknown.
Comment: This variant is considered benign. This variant is a silent/synonymous amino acid change and it is not expected to impact splicing.

Labcorp Genetics (formerly Invitae), Labcorp
Classification: Likely benign for Hereditary nonpolyposis colorectal neoplasms. Last evaluated: 2023-12-26. Review status: criteria provided, single submitter. Criteria: Invitae Variant Classification Sherloc (09022015). Collection method: clinical testing. Allele origin: germline.

Ambry Genetics
Classification: Likely benign for Hereditary cancer-predisposing syndrome. Last evaluated: 2020-12-23. Review status: criteria provided, single submitter. Criteria: Ambry Variant Classification Scheme 2023. Collection method: clinical testing. Allele origin: germline.

NM_000535.7(PMS2):c.2215C>T (p.Leu739=)

Gene: PMS2 (PMS1 homolog 2, mismatch repair system component; minus strand). Cytogenetic location: 7p22.1.
Variant type: single nucleotide variant.
Coding change: c.2215C>T on transcript NM_000535.7 (MANE Select); coding-DNA position 2215, C replaced by T.
Protein change: p.Leu739=; no amino-acid change (leucine 739 retained).
Molecular consequence: synonymous variant. On other transcripts: non-coding transcript variant (1), intron variant (2).
Genome position (GRCh38, 1-based): chr7:5,978,656, G>A on the plus strand (C>T on the coding strand, the complement: PMS2 is on the minus strand). VCF-style: chr7-5978656-G-A. GRCh37 (hg19) VCF-style: chr7-6018287-G-A.
Other names: c.1810C>T, p.Leu604= (NM_001018040.1, NM_001322003.2, NM_001322004.2 and 15 more transcripts); c.2059C>T, p.Leu687= (NM_001322006.2, NM_001406870.1); c.1897C>T, p.Leu633= (NM_001322007.2, NM_001322008.2, NM_001406876.1 and 1 more transcripts); c.1654C>T, p.Leu552= (NM_001322010.2, NM_001406906.1, NM_001406907.1); c.1282C>T, p.Leu428= (NM_001322011.2, NM_001322012.2); c.1642C>T, p.Leu548= (NM_001322013.2, NM_001406908.1, NM_001406909.1); c.2215C>T, p.Leu739= (NM_001322014.2); c.1906C>T, p.Leu636= (NM_001322015.2, NM_001406875.1, NM_001406877.1 and 5 more transcripts); and 16 more.
Identifiers: ClinVar variation 1787826 (VCV001787826.6), dbSNP rs2128683125, ClinGen allele CA453642692.
Genomic context (GRCh38, chr7:5,978,656, plus strand): 5'-CATTTTCATCGATAACAAAATCAAAGCCATTCTTTCTAAATATTTCCAGATTTTCTATCA[G>A]AACAGCTTCATTAACAGCAGTTAAGTTGAGAGTCTGAGGTCTGAAAAACACAAAAATGAT-3'
Protein context (NP_000526.2, residues 729-749): LNLTAVNEAV[Leu739=]IENLEIFRKN